The following is an entry in ClinVar:

NM_001122630.2(CDKN1C):c.596_602dup (p.Ala202fs)

Gene: CDKN1C (cyclin dependent kinase inhibitor 1C; minus strand). Cytogenetic location: 11p15.4.
Variant type: Duplication.
Coding change: c.596_602dup on transcript NM_001122630.2 (MANE Select); coding-DNA positions 596 to 602, 7 bases duplicated (CCGCCCC; older notation c.596_602dupCCGCCCC).
Protein change: p.Ala202fs; shifts the reading frame from alanine 202.
Molecular consequence: frameshift variant. On other transcripts: intron variant (1).
Genome position (GRCh38, 1-based): chr11:2,884,855-2,884,861, GGGGCGG duplicated on the plus strand (CCGCCCC on the coding strand, the reverse complement: CDKN1C is on the minus strand); duplicating any 7 consecutive bases within chr11:2,884,855-2,884,864 gives the same sequence; the c. name uses the placement nearest the transcript's 3' end. VCF-style (leftmost placement, unchanged base first): chr11-2884854-C-CGGGGCGG. GRCh37 (hg19) VCF-style: chr11-2906084-C-CGGGGCGG.
Other names: c.596_602dup, p.Ala202fs (NM_001122631.2); c.629_635dup, p.Ala213fs (NM_001362474.2, NM_000076.2); c.255+341_255+347dup (NM_001362475.2); c.602_603insCCGCCCC (NM_001122630.2); short protein forms A202fs, A213fs.
Identifiers: ClinVar variation 3775833 (VCV003775833.2).

ClinVar aggregate classification (germline): Likely pathogenic. Review status: criteria provided, multiple submitters, no conflicts (2 of 4 stars). 2 submissions from 2 submitters: Likely pathogenic (2). Last evaluated 2025-07-29.

Conditions:
Beckwith-Wiedemann syndrome (BWS). Also called: Exomphalos macroglossia gigantism syndrome; EMG SYNDROME. Identifiers: Orphanet 116, MedGen C0004903, MONDO:0007534, OMIM 130650.

Submissions (2):

Undiagnosed Diseases Network, NIH
Classification: Likely pathogenic for Beckwith-Wiedemann syndrome. Last evaluated: 2025-07-29. Review status: criteria provided, single submitter. Criteria: ACMG Guidelines, 2015. Collection method: clinical testing. Allele origin: unknown. Affected: yes. Observed: 1 variant allele, 1 heterozygote. Study: Undiagnosed Diseases Network (NIH), UDN.

3billion
Classification: Likely pathogenic for Beckwith-Wiedemann syndrome. Last evaluated: 2024-01-11. Review status: criteria provided, single submitter. Criteria: ACMG Guidelines, 2015. Collection method: clinical testing. Allele origin: germline. Affected: yes.
Comment: The variant is not observed in the gnomAD v2.1.1 dataset. Predicted Consequence/Location: Frameshift: predicted to result in a loss or disruption of normal protein function through nonsense-mediated decay (NMD) or protein truncation. Multiple pathogenic variants are reported downstream of the variant. Therefore, this variant is classified as Likely pathogenic according to the recommendation of ACMG/AMP guideline.